The following is an entry in ClinVar:

NM_003722.5(TP63):c.518G>T (p.Gly173Val)

Gene: TP63 (tumor protein p63; plus strand). Cytogenetic location: 3q28.
Variant type: single nucleotide variant.
Coding change: c.518G>T on transcript NM_003722.5 (MANE Select); coding-DNA position 518, G replaced by T.
Protein change: p.Gly173Val; replaces glycine 173 with valine.
Molecular consequence: missense variant. On other transcripts: intron variant (2).
Genome position (GRCh38, 1-based): chr3:189,808,465, G>T. VCF-style: chr3-189808465-G-T. GRCh37 (hg19) VCF-style: chr3-189526254-G-T.
Other names: c.518G>T, p.Gly173Val (NM_001114978.2, NM_001114979.2, NM_001329144.2 and 1 more transcripts); c.236G>T, p.Gly79Val (NM_001114980.2, NM_001114981.2, NM_001114982.2 and 2 more transcripts); c.512G>T, p.Gly171Val (NM_001329964.2); c.42+18623G>T (NM_001329146.2, NM_001329150.2); short protein forms G173V, G171V, G79V.
Identifiers: ClinVar variation 430080 (VCV000430080.2), dbSNP rs113993965, ClinGen allele CA355750729.

ClinVar aggregate classification (germline): Pathogenic (1 of 4 stars; one submission).

Submission:

GeneDx
Classification: Pathogenic. Last evaluated: 2017-05-17. Review status: criteria provided, single submitter. Criteria: GeneDx Variant Classification (06012015). Collection method: clinical testing. Allele origin: germline. Affected: yes.
Comment: The G173V variant in the TP63 gene has been reported previously, sometimes as G134V due to alternate nomenclature, in the heterozygous state, in unrelated individuals with ADULT (acro-dermato-ungual-lacrimal-tooth) syndrome (Prontera et al., 2011; Monti et al., 2013). The G173V variant is not observed in large population cohorts (Lek et al., 2016; 1000 Genomes Consortium et al., 2015; Exome Variant Server). The G173V variant is a conservative amino acid substitution, which is not likely to impact secondary protein structure as these residues share similar properties. This substitution occurs at a position that is conserved across species. Transactivation assays in yeast and mammalian cells reveal that the G173V mutant demonstrated a reduction in transactivation ability (Monti et al., 2013). A different missense variant (G173D) has been reported in the Human Gene Mutation Database in association with a TP63-related disorder (Stenson et al., 2014), supporting the functional importance of this region of the protein. We interpret G173V as a pathogenic variant.